The following is an entry in ClinVar:

NM_000350.3(ABCA4):c.3898C>T (p.Arg1300Ter)

Gene: ABCA4 (ATP binding cassette subfamily A member 4; minus strand). Cytogenetic location: 1p22.1.
Variant type: single nucleotide variant.
Coding change: c.3898C>T on transcript NM_000350.3 (MANE Select); coding-DNA position 3898, C replaced by T.
Protein change: p.Arg1300Ter; replaces arginine 1300 with a stop codon.
Molecular consequence: nonsense.
Genome position (GRCh38, 1-based): chr1:94,032,008, G>A on the plus strand (C>T on the coding strand, the complement: ABCA4 is on the minus strand). VCF-style: chr1-94032008-G-A. GRCh37 (hg19) VCF-style: chr1-94497564-G-A.
Other names: c.3676C>T, p.Arg1226Ter (NM_001425324.1); short protein forms R1300*, R1226*.
Identifiers: ClinVar variation 99245 (VCV000099245.26), dbSNP rs61752427, ClinGen allele CA227145.

ClinVar aggregate classification (germline): Pathogenic. Review status: criteria provided, multiple submitters, no conflicts (2 of 4 stars). 10 submissions from 10 submitters: Pathogenic (8). 2 of the submissions do not count toward it. Last evaluated 2026-06-17.

Conditions:
ABCA4-related disorder. Also called: ABCA4-related condition; ABCA4-related disorders. Identifiers: MedGen CN239167.
Retinal dystrophy. Also called: Inherited retinal dystrophy. Identifiers: Orphanet 71862, MedGen C0854723, MeSH D058499, MONDO:0019118, HP:0000556.
Severe early-childhood-onset retinal dystrophy (STGD1). Also called: MACULAR DYSTROPHY WITH FLECKS, TYPE 1; STGD; Stargardt disease 1; Stargardt macular dystrophy; Juvenile onset macular degeneration. Identifiers: Orphanet 364055, Orphanet 827, MedGen C1855465, MeSH D000080362, MONDO:0009549, OMIM 248200.

Allele frequency attached by ClinVar (database versions not stated): gnomAD exomes 0.00001 and 0.00002; TOPMed 0.00001; ExAC 0.00003.

Submissions (10):

PreventionGenetics, part of Exact Sciences
Classification: Pathogenic for ABCA4-related condition. Last evaluated: 2026-06-17. Review status: criteria provided, single submitter. Criteria: ACMG Guidelines, 2015. Collection method: clinical testing. Allele origin: germline.
Comment: The ABCA4 c.3898C>T variant is predicted to result in premature protein termination (p.Arg1300*). This variant has been reported many times in individuals with retinal disease (see for examples: Rivera et al. 2000. PubMed ID: 10958763; Table S1, Karali et al. 2022. PubMed ID: 36460718; Table S1, Lin et al. 2024. PubMed ID: 38219857). This variant is present in 0.0065% of alleles in individuals of South Asian descent in gnomAD. Nonsense variants in ABCA4 are an established mechanism of disease. This variant is interpreted as pathogenic.

Labcorp Genetics (formerly Invitae), Labcorp
Classification: Pathogenic. Last evaluated: 2025-10-14. Review status: criteria provided, single submitter. Criteria: Invitae Variant Classification Sherloc (09022015). Collection method: clinical testing. Allele origin: germline.
Comment: This sequence change creates a premature translational stop signal (p.Arg1300*) in the ABCA4 gene. It is expected to result in an absent or disrupted protein product. Loss-of-function variants in ABCA4 are known to be pathogenic (PMID: 10958761, 24938718, 25312043, 26780318). This variant is present in population databases (rs61752427, gnomAD 0.007%). This premature translational stop signal has been observed in individuals with Stargardt disease (PMID: 10958763, 30093795). ClinVar contains an entry for this variant (Variation ID: 99245). For these reasons, this variant has been classified as Pathogenic.

3billion
Classification: Pathogenic for ABCA4-related disorder. Last evaluated: 2025-09-05. Review status: criteria provided, single submitter. Criteria: ACMG Guidelines, 2015. Collection method: clinical testing. Allele origin: germline. Affected: yes.
Comment: The variant is observed at an extremely low frequency in the gnomAD v4.1.0 dataset (total allele frequency: <0.001%). Predicted Consequence/Location: Stop-gained (nonsense): predicted to result in a loss or disruption of normal protein function through nonsense-mediated decay (NMD) or protein truncation. Multiple pathogenic variants are reported downstream of the variant. The variant has been reported at least twice as pathogenic with clinical assertions and evidence for the classification (ClinVar ID: VCV000099245 /PMID: 10958763 /3billion dataset). Therefore, this variant is classified as Pathogenic according to the recommendation of ACMG/AMP guideline.

Dubai Health Genomic Medicine Center, Dubai Health
Classification: Pathogenic for Retinal dystrophy. Last evaluated: 2024-10-04. Review status: criteria provided, single submitter. Criteria: ACMG Guidelines, 2015. Collection method: research. Allele origin: germline. Affected: yes.
Comment: PVS1,PM3(moderate),PM2

Blueprint Genetics
Classification: Pathogenic for ABCA4-related disorders. Last evaluated: 2024-09-03. Review status: criteria provided, single submitter. Criteria: ACMG Guidelines, 2015. Collection method: clinical testing. Allele origin: germline. Affected: yes. Observed: 5 variant alleles.

GeneDx
Classification: Pathogenic. Last evaluated: 2024-05-30. Review status: criteria provided, single submitter. Criteria: GeneDx Variant Classification Process June 2021. Collection method: clinical testing. Allele origin: germline. Affected: yes.
Comment: Nonsense variant predicted to result in protein truncation or nonsense mediated decay in a gene for which loss of function is a known mechanism of disease; This variant is associated with the following publications: (PMID: 36460718, 21911583, 20696155, 10958763, 29848554, 32619608, 23953153, 25066811, 25283059, 25525159, 26311262, 28947085, 30093795, 32845068, 29847651, 35119454, 31964843, 31725702, 32783370, 35120629)

Genetic Diagnostics Department, Viafet Genomics Laboratory
Classification: Pathogenic for Severe early-childhood-onset retinal dystrophy. Last evaluated: 2021-08-23. Review status: criteria provided, single submitter. Criteria: ACMG Guidelines, 2015. Collection method: clinical testing. Allele origin: germline. Inheritance: Autosomal recessive inheritance. Affected: no. Observed: 1 variant allele, 1 heterozygote.
Comment: This variant is present in exon 27/50 in the only transcript of this gene. Several loss-of-function variants are reported as disease-causing in HGMD and/or ClinVar after this position. Salles et al., 2018 have identified this variant in a compound heterozygous state with c.1804C>T (p.Arg602Trp) in a patient affected with Stargardt disease (PMID: 30093795). Méjécase et al., 2020 have identified this variant along with c.5882G>A (p.Gly1961Glu) and c.2570T>C (p.Leu857Pro) in a patient affected with Stargardt disease (PMID: 32783370).

Revvity Omics, Revvity
Classification: Pathogenic. Last evaluated: 2019-12-23. Review status: criteria provided, single submitter. Criteria: ACMG Guidelines, 2015. Collection method: clinical testing. Allele origin: germline.

Ophthalmo-Genetics Lab, Instituto de Oftalmologia Conde de Valenciana
Classification: Pathogenic for Severe early-childhood-onset retinal dystrophy. Review status: no assertion criteria provided. Collection method: research. Allele origin: germline. Inheritance: Autosomal recessive inheritance. Affected: yes. Not counted in ClinVar's aggregate classification.

Retina International
No classification provided. Review status: no classification provided. Collection method: not provided. Allele origin: not provided. Not counted in ClinVar's aggregate classification.

Literature cited by the submitters: PubMed 10958761 (cited by Labcorp Genetics (formerly Invitae), Labcorp); PubMed 24938718 (cited by Labcorp Genetics (formerly Invitae), Labcorp); PubMed 25312043 (cited by Labcorp Genetics (formerly Invitae), Labcorp); PubMed 26780318 (cited by Labcorp Genetics (formerly Invitae), Labcorp); PubMed 10958763 (cited by Labcorp Genetics (formerly Invitae), Labcorp and 3billion); PubMed 30093795 (cited by Labcorp Genetics (formerly Invitae), Labcorp and Genetic Diagnostics Department, Viafet Genomics Laboratory); PubMed 32783370 (cited by Genetic Diagnostics Department, Viafet Genomics Laboratory); PubMed 23769331 (cited by Ophthalmo-Genetics Lab, Instituto de Oftalmologia Conde de Valenciana).